The following is an entry in ClinVar:

NM_001148.6(ANK2):c.827G>A (p.Arg276Lys)

Gene: ANK2 (ankyrin 2; plus strand). Cytogenetic location: 4q26.
Variant type: single nucleotide variant.
Coding change: c.827G>A on transcript NM_001148.6 (MANE Select); coding-DNA position 827, G replaced by A.
Protein change: p.Arg276Lys; replaces arginine 276 with lysine.
Molecular consequence: missense variant.
Genome position (GRCh38, 1-based): chr4:113,242,145, G>A. VCF-style: chr4-113242145-G-A. GRCh37 (hg19) VCF-style: chr4-114163301-G-A.
Other names: p.R276K:AGA>AAA; p.Arg276Lys; c.764G>A, p.Arg255Lys (NM_001127493.3, NM_001354239.2, NM_001354243.2 and 14 more transcripts); c.827G>A, p.Arg276Lys (NM_001354225.2, NM_001354228.2, NM_001354232.2 and 9 more transcripts); c.872G>A, p.Arg291Lys (NM_001354230.2, NM_001354231.2, NM_001354237.2 and 5 more transcripts); c.740G>A, p.Arg247Lys (NM_001354249.2, NM_001354260.2, NM_001354264.2 and 16 more transcripts); c.785G>A, p.Arg262Lys (NM_001354261.2, NM_001386147.1, NM_001386160.1); c.815G>A, p.Arg272Lys (NM_001354269.3, NM_001386148.2, NM_001386186.2); and 4 more; short protein forms R255K, R276K, R272K, R247K, R262K, R291K, R264K, R285K.
Identifiers: ClinVar variation 190538 (VCV000190538.12), dbSNP rs786205719, ClinGen allele CA300755.
Genomic context (GRCh38, chr4:113,242,145, plus strand): 5'-TCTTGTTTGGTCTTTCTGTGGTGTAGAATGGAATCACTCCTCTGCATGTGGCTTCCAAAA[G>A]AGGAAATACAAACATGGTGAAGCTCTTACTGGATCGAGGCGGTCAGATCGATGCCAAAAC-3'
Protein context (NP_001139.3, residues 266-286): GITPLHVASK[Arg276Lys]GNTNMVKLLL

ClinVar aggregate classification (germline): Uncertain significance. Review status: criteria provided, multiple submitters, no conflicts (2 of 4 stars). 5 submissions from 5 submitters: Uncertain significance (5). Last evaluated 2025-11-24.

Conditions:
Cardiovascular phenotype. Identifiers: MedGen CN230736.
Cardiac arrhythmia, ankyrin-B-related. Also called: ANKYRIN-B SYNDROME. Identifiers: Orphanet 101016, Orphanet 768, MedGen C1970119, MONDO:0010958, OMIM 600919.
Long QT syndrome (LQTS). Identifiers: MedGen C0023976, MeSH D008133, MONDO:0002442. Disease mechanism: loss of function. Inheritance: Various modes of inheritance.

Allele frequency attached by ClinVar (database versions not stated): gnomAD exomes below 0.00001; gnomAD 0.00001; TOPMed 0.00002.
gnomAD v4.1: 7 of 1,613,910 alleles (0.00043%); highest among the groups gnomAD compares: Non-Finnish European, 0.00059%; no homozygotes.

Submissions (5):

Ambry Genetics
Classification: Uncertain significance for Cardiovascular phenotype. Last evaluated: 2025-11-24. Review status: criteria provided, single submitter. Criteria: Ambry Variant Classification Scheme 2023. Collection method: clinical testing. Allele origin: germline.
Comment: The p.R276K variant (also known as c.827G>A), located in coding exon 9 of the ANK2 gene, results from a G to A substitution at nucleotide position 827. The arginine at codon 276 is replaced by lysine, an amino acid with highly similar properties. This amino acid position is conserved. In addition, the in silico prediction for this alteration is inconclusive. Since supporting evidence is limited at this time, the clinical significance of this alteration remains unclear.

Mayo Clinic Laboratories, Mayo Clinic
Classification: Uncertain significance. Last evaluated: 2022-08-30. Review status: criteria provided, single submitter. Criteria: ACMG Guidelines, 2015. Collection method: clinical testing. Allele origin: germline. Observed: 1 variant allele.

Labcorp Genetics (formerly Invitae), Labcorp
Classification: Uncertain significance for Long QT syndrome. Last evaluated: 2022-08-16. Review status: criteria provided, single submitter. Criteria: Invitae Variant Classification Sherloc (09022015). Collection method: clinical testing. Allele origin: germline.
Comment: In summary, the available evidence is currently insufficient to determine the role of this variant in disease. Therefore, it has been classified as a Variant of Uncertain Significance. Algorithms developed to predict the effect of missense changes on protein structure and function are either unavailable or do not agree on the potential impact of this missense change (SIFT: "Tolerated"; PolyPhen-2: "Probably Damaging"; Align-GVGD: "Class C0"). ClinVar contains an entry for this variant (Variation ID: 190538). This variant has not been reported in the literature in individuals affected with ANK2-related conditions. This variant is present in population databases (rs786205719, gnomAD 0.0009%). This sequence change replaces arginine, which is basic and polar, with lysine, which is basic and polar, at codon 276 of the ANK2 protein (p.Arg276Lys).

Fulgent Genetics
Classification: Uncertain significance for Cardiac arrhythmia, ankyrin-B-related. Last evaluated: 2021-08-19. Review status: criteria provided, single submitter. Criteria: ACMG Guidelines, 2015. Collection method: clinical testing. Allele origin: unknown.

GeneDx
Classification: Uncertain significance. Last evaluated: 2013-08-15. Review status: criteria provided, single submitter. Criteria: GeneDx Variant Classification (06012015). Collection method: clinical testing. Allele origin: germline. Affected: yes.
Comment: .p.Arg276Lys (AGA>AAA): c.827 G>A in exon 9 of the ANK2 gene (NM_001148.4). The Arg276Lys variant in the ANK2 gene has not been reported as a disease-causing mutation or as a benign polymorphism to our knowledge. Arg276Lys results in a conservative amino acid substitution of one positively charged amino acid with another, at a position that is conserved across species. The Arg276Lys variant was not observed in approximately 6,500 individuals of European and African American ancestry in the NHLBI Exome Sequencing Project, indicating it is not a common benign variant in these populations. However, no mutations in nearby residues have been reported in association with LQTS. With the clinical and molecular information available at this time, we cannot definitively determine if Arg276Lys is a disease-causing mutation or a rare benign variant. The variant is found in LQT panel(s).